The following is an entry in ClinVar:

ClinVar aggregate classification (germline): Uncertain significance (1 of 4 stars; one submission).

Conditions:
Cardiovascular phenotype. Identifiers: MedGen CN230736.

Submission:

Ambry Genetics
Classification: Uncertain significance for Cardiovascular phenotype. Last evaluated: 2020-06-23. Review status: criteria provided, single submitter. Criteria: Ambry Variant Classification Scheme 2023. Collection method: clinical testing. Allele origin: germline.
Comment: The p.Y722* variant (also known as c.2166C>G), located in coding exon 14 of the SCN10A gene, results from a C to G substitution at nucleotide position 2166. This changes the amino acid from a tyrosine to a stop codon within coding exon 14. This alteration is expected to result in premature protein truncation or nonsense-mediated mRNA decay. However, loss of function of SCN10A has not been clearly established as a mechanism of disease. Since supporting evidence is limited at this time, the clinical significance of this alteration remains unclear.

NM_006514.4(SCN10A):c.2166C>G (p.Tyr722Ter)

Gene: SCN10A (sodium voltage-gated channel alpha subunit 10; minus strand). Cytogenetic location: 3p22.2.
Variant type: single nucleotide variant.
Coding change: c.2166C>G on transcript NM_006514.4 (MANE Select); coding-DNA position 2166, C replaced by G.
Protein change: p.Tyr722Ter; replaces tyrosine 722 with a stop codon.
Molecular consequence: nonsense.
Genome position (GRCh38, 1-based): chr3:38,739,629, G>C on the plus strand (C>G on the coding strand, the complement: SCN10A is on the minus strand). VCF-style: chr3-38739629-G-C. GRCh37 (hg19) VCF-style: chr3-38781120-G-C.
Other names: c.2166C>G, p.Tyr722Ter (NM_001293306.2); c.1872C>G, p.Tyr624Ter (NM_001293307.2); short protein forms Y722*, Y624*.
Identifiers: ClinVar variation 1786979 (VCV001786979.2), dbSNP rs2126012575, ClinGen allele CA352164504.